The following is an entry in ClinVar:

ClinVar aggregate classification (germline): Uncertain significance (1 of 4 stars; one submission).

Submission:

Labcorp Genetics (formerly Invitae), Labcorp
Classification: Uncertain significance. Last evaluated: 2022-08-16. Review status: criteria provided, single submitter. Criteria: Invitae Variant Classification Sherloc (09022015). Collection method: clinical testing. Allele origin: germline.
Comment: This variant is not present in population databases (gnomAD no frequency). This sequence change replaces aspartic acid, which is acidic and polar, with asparagine, which is neutral and polar, at codon 170 of the CCBE1 protein (p.Asp170Asn). In summary, the available evidence is currently insufficient to determine the role of this variant in disease. Therefore, it has been classified as a Variant of Uncertain Significance. This variant has not been reported in the literature in individuals affected with CCBE1-related conditions. ClinVar contains an entry for this variant (Variation ID: 1473701). Algorithms developed to predict the effect of missense changes on protein structure and function are either unavailable or do not agree on the potential impact of this missense change (SIFT: "Deleterious"; PolyPhen-2: "Benign"; Align-GVGD: "Class C0").

NM_133459.4(CCBE1):c.508G>A (p.Asp170Asn)

Gene: CCBE1 (collagen and calcium binding EGF domains 1; minus strand). Cytogenetic location: 18q21.32.
Variant type: single nucleotide variant.
Coding change: c.508G>A on transcript NM_133459.4 (MANE Select); coding-DNA position 508, G replaced by A.
Protein change: p.Asp170Asn; replaces aspartic acid 170 with asparagine.
Molecular consequence: missense variant.
Genome position (GRCh38, 1-based): chr18:59,466,784, C>T on the plus strand (G>A on the coding strand, the complement: CCBE1 is on the minus strand). VCF-style: chr18-59466784-C-T. GRCh37 (hg19) VCF-style: chr18-57134016-C-T.
Other names: short protein forms D170N.
Identifiers: ClinVar variation 1473701 (VCV001473701.8), dbSNP rs2143721414, ClinGen allele CA402591623.
Genomic context (GRCh38, chr18:59,466,784, plus strand): 5'-ACTTGCCCTACTTACCAGTGTCATTGGGATATTTGTCTCCCCTGGTACATGTCTTCCCAT[C>T]ATCTTCCCGGATGTAGCCTTCCCGGCACTCGCAGCGGTAGCTGCCCAAGGTATTGATGCA-3'
Protein context (NP_597716.1, residues 160-180): ECREGYIRED[Asp170Asn]GKTCTRGDKY